The following is an entry in ClinVar:

NM_001130987.2(DYSF):c.3403-121G>C

Gene: DYSF (dysferlin; plus strand). Cytogenetic location: 2p13.2.
Variant type: single nucleotide variant.
Coding change: c.3403-121G>C on transcript NM_001130987.2 (MANE Select); 121 bases into the intron before coding-DNA position 3403, G replaced by C.
Molecular consequence: intron variant.
Genome position (GRCh38, 1-based): chr2:71,589,472, G>C. VCF-style: chr2-71589472-G-C. GRCh37 (hg19) VCF-style: chr2-71816602-G-C.
Other names: c.3442-121G>C (NM_001130979.2); c.3400-121G>C (NM_001130981.2, NM_001130980.2); c.3349-121G>C (NM_001130978.2, NM_003494.4); c.3307-121G>C (NM_001130977.2, NM_001130976.2); c.3445-121G>C (NM_001130982.2); c.3403-121G>C (NM_001130985.2); c.3352-121G>C (NM_001130983.2, NM_001130455.2); c.3310-121G>C (NM_001130984.2, NM_001130986.2).
Identifiers: ClinVar variation 679986 (VCV000679986.4), dbSNP rs3811611, ClinGen allele CA11118039.

ClinVar aggregate classification (germline): Benign. Review status: criteria provided, multiple submitters, no conflicts (2 of 4 stars). 2 submissions from 2 submitters: Benign (2). Last evaluated 2021-06-10.

Conditions:
Miyoshi muscular dystrophy 1 (MMD1). Identifiers: Orphanet 45448, MedGen C4551973, MONDO:0024545, OMIM 254130.

Allele frequency attached by ClinVar (database versions not stated): gnomAD exomes 0.57932; gnomAD 0.59391 and 0.59433; 1000 Genomes Project 30x 0.60431; 1000 Genomes Project 0.60463; TOPMed 0.60527.
gnomAD v4.1: 457,842 of 786,474 alleles (58%); highest among the groups gnomAD compares: East Asian, 76%; 134,615 homozygotes.

Submissions (2):

Genome-Nilou Lab
Classification: Benign for Miyoshi muscular dystrophy 1. Last evaluated: 2021-06-10. Review status: criteria provided, single submitter. Criteria: ACMG Guidelines, 2015. Collection method: clinical testing. Allele origin: germline. Affected: no.

GeneDx
Classification: Benign. Last evaluated: 2018-06-14. Review status: criteria provided, single submitter. Criteria: GeneDx Variant Classification (06012015). Collection method: clinical testing. Allele origin: germline. Affected: yes.
Comment: This variant is considered likely benign or benign based on one or more of the following criteria: it is a conservative change, it occurs at a poorly conserved position in the protein, it is predicted to be benign by multiple in silico algorithms, and/or has population frequency not consistent with disease.